The following is an entry in ClinVar:

ClinVar aggregate classification (germline): Uncertain significance. Review status: criteria provided, multiple submitters, no conflicts (2 of 4 stars). 2 submissions from 2 submitters: Uncertain significance (2). Last evaluated 2022-04-01.

Conditions:
Charcot-Marie-Tooth disease type 4. Also called: Charcot-Marie-Tooth, Type 4; Charcot-Marie-Tooth disease, type IV. Identifiers: Orphanet 64749, MedGen C4082197, MONDO:0018995.

Allele frequency attached by ClinVar (database versions not stated): TOPMed 0.00003; gnomAD 0.00003.
gnomAD v4.1: 31 of 1,613,858 alleles (0.0019%); highest among the groups gnomAD compares: Admixed American, 0.0067%; no homozygotes.

Submissions (2):

Labcorp Genetics (formerly Invitae), Labcorp
Classification: Uncertain significance for Charcot-Marie-Tooth disease type 4. Last evaluated: 2022-04-01. Review status: criteria provided, single submitter. Criteria: Invitae Variant Classification Sherloc (09022015). Collection method: clinical testing. Allele origin: germline.
Comment: This sequence change replaces tyrosine, which is neutral and polar, with cysteine, which is neutral and slightly polar, at codon 86 of the SBF2 protein (p.Tyr86Cys). This variant is present in population databases (no rsID available, gnomAD 0.0009%). This variant has not been reported in the literature in individuals affected with SBF2-related conditions. ClinVar contains an entry for this variant (Variation ID: 392078). Algorithms developed to predict the effect of missense changes on protein structure and function are either unavailable or do not agree on the potential impact of this missense change (SIFT: "Deleterious"; PolyPhen-2: "Benign"; Align-GVGD: "Class C0"). Algorithms developed to predict the effect of sequence changes on RNA splicing suggest that this variant may create or strengthen a splice site. In summary, the available evidence is currently insufficient to determine the role of this variant in disease. Therefore, it has been classified as a Variant of Uncertain Significance.

GeneDx
Classification: Uncertain significance. Last evaluated: 2016-12-22. Review status: criteria provided, single submitter. Criteria: GeneDx Variant Classification (06012015). Collection method: clinical testing. Allele origin: germline. Affected: yes.
Comment: A variant of uncertain significance has been identified in the SBF2 gene. The Y86C variant has not been published as a pathogenic variant, nor has it been reported as a benign variant to our knowledge. The Y86C variant is not observed in large population cohorts (Lek et al., 2016; 1000 Genomes Consortium et al., 2015; Exome Variant Server). The Y86C variant is a non-conservative amino acid substitution, which is likely to impact secondary protein structure as these residues differ in polarity, charge, size and/or other properties. This substitution occurs at a position that is conserved across species. However, in silico analysis is inconsistent in its predictions as to whether or not the variant is damaging to the protein structure/function. Therefore, based on the currently available information, it is unclear whether this variant is a pathogenic variant or a rare benign variant.

NM_030962.4(SBF2):c.257A>G (p.Tyr86Cys)

Gene: SBF2 (SET binding factor 2; minus strand). Cytogenetic location: 11p15.4.
Variant type: single nucleotide variant.
Coding change: c.257A>G on transcript NM_030962.4 (MANE Select); coding-DNA position 257, A replaced by G.
Protein change: p.Tyr86Cys; replaces tyrosine 86 with cysteine.
Molecular consequence: missense variant.
Genome position (GRCh38, 1-based): chr11:10,042,866, T>C on the plus strand (A>G on the coding strand, the complement: SBF2 is on the minus strand). VCF-style: chr11-10042866-T-C. GRCh37 (hg19) VCF-style: chr11-10064413-T-C.
Other names: c.257A>G, p.Tyr86Cys (NM_001386339.1, NM_001386342.1); short protein forms Y86C.
Identifiers: ClinVar variation 392078 (VCV000392078.7), dbSNP rs745669920, ClinGen allele CA16606132.